The following is an entry in ClinVar:

NM_005611.4(RBL2):c.452_453del (p.Arg151fs)

Gene: RBL2 (RB transcriptional corepressor like 2; plus strand). Cytogenetic location: 16q12.2.
Variant type: Microsatellite.
Coding change: c.452_453del on transcript NM_005611.4 (MANE Select); coding-DNA positions 452 to 453, 2 bases deleted (GA; older notation c.452_453delGA).
Protein change: p.Arg151fs; shifts the reading frame from arginine 151.
Molecular consequence: frameshift variant.
Genome position (GRCh38, 1-based): chr16:53,442,738-53,442,739, GA deleted; deleting any 2 consecutive bases within chr16:53,442,734-53,442,739 gives the same sequence; the c. name uses the placement nearest the transcript's 3' end. VCF-style (leftmost placement, unchanged base first): chr16-53442733-TGA-T. GRCh37 (hg19) VCF-style: chr16-53476645-TGA-T.
Other names: c.452_453del, p.Arg151fs (NM_001323608.2, NM_001323609.2, NM_001323610.2); c.230_231del, p.Arg77fs (NM_001323611.1); c.452_453delGA (NM_005611.4); short protein forms R151fs, R77fs.
Identifiers: ClinVar variation 4850249 (VCV004850249.1).

ClinVar aggregate classification (germline): Likely pathogenic (1 of 4 stars; one submission).

Conditions:
Brunet-Wagner neurodevelopmental syndrome (BRUWAG). Identifiers: MedGen C5562056, MONDO:0859217, OMIM 619690.

Submission:

First Genomix Gene Laboratory, Genetic Diagnostics Department
Classification: Likely pathogenic for Brunet-Wagner neurodevelopmental syndrome. Last evaluated: 2025-09-03. Review status: criteria provided, single submitter. Criteria: ACMG Guidelines, 2015. Collection method: clinical testing. Allele origin: germline. Inheritance: Autosomal recessive inheritance. Affected: no. Observed: 1 variant allele.